The following is an entry in ClinVar:

NM_004100.5(EYA4):c.973G>A (p.Glu325Lys)

Gene: EYA4 (EYA transcriptional coactivator and phosphatase 4; plus strand). Cytogenetic location: 6q23.2.
Variant type: single nucleotide variant.
Coding change: c.973G>A on transcript NM_004100.5 (MANE Select); coding-DNA position 973, G replaced by A.
Protein change: p.Glu325Lys; replaces glutamic acid 325 with lysine.
Molecular consequence: missense variant.
Genome position (GRCh38, 1-based): chr6:133,481,465, G>A. VCF-style: chr6-133481465-G-A. GRCh37 (hg19) VCF-style: chr6-133802603-G-A.
Other names: c.811G>A, p.Glu271Lys (NM_001301012.2); c.991G>A, p.Glu331Lys (NM_001301013.2); c.904G>A, p.Glu302Lys (NM_001370458.1, NM_172103.4); c.829G>A, p.Glu277Lys (NM_001370459.1); c.973G>A, p.Glu325Lys (NM_172105.4); short protein forms E271K, E277K, E302K, E325K, E331K.
Identifiers: ClinVar variation 1022949 (VCV001022949.9), dbSNP rs1003638503, ClinGen allele CA148056295.

ClinVar aggregate classification (germline): Uncertain significance. Review status: criteria provided, multiple submitters, no conflicts (2 of 4 stars). 2 submissions from 2 submitters: Uncertain significance (2). Last evaluated 2025-06-04.

Conditions:
Cardiovascular phenotype. Identifiers: MedGen CN230736.
Dilated cardiomyopathy 1J (CMD1J). Also called: CARDIOMYOPATHY, DILATED, WITH SENSORINEURAL HEARING LOSS, AUTOSOMAL DOMINANT. Identifiers: Orphanet 217622, MedGen C1854368, MONDO:0011541, OMIM 605362.

Allele frequency attached by ClinVar (database versions not stated): gnomAD exomes 0.00001; TOPMed 0.00002; gnomAD 0.00003.
gnomAD v4.1: 13 of 1,613,514 alleles (0.00081%); highest among the groups gnomAD compares: Admixed American, 0.015%; no homozygotes.

Submissions (2):

Labcorp Genetics (formerly Invitae), Labcorp
Classification: Uncertain significance for Dilated cardiomyopathy 1J. Last evaluated: 2025-06-04. Review status: criteria provided, single submitter. Criteria: Invitae Variant Classification Sherloc (09022015). Collection method: clinical testing. Allele origin: germline.
Comment: This sequence change replaces glutamic acid, which is acidic and polar, with lysine, which is basic and polar, at codon 325 of the EYA4 protein (p.Glu325Lys). This variant is not present in population databases (gnomAD no frequency). This variant has not been reported in the literature in individuals affected with EYA4-related conditions. ClinVar contains an entry for this variant (Variation ID: 1022949). An algorithm developed to predict the effect of missense changes on protein structure and function (PolyPhen-2) suggests that this variant is likely to be tolerated. In summary, the available evidence is currently insufficient to determine the role of this variant in disease. Therefore, it has been classified as a Variant of Uncertain Significance.

Ambry Genetics
Classification: Uncertain significance for Cardiovascular phenotype. Last evaluated: 2023-01-14. Review status: criteria provided, single submitter. Criteria: Ambry Variant Classification Scheme 2023. Collection method: clinical testing. Allele origin: germline.
Comment: The p.E325K variant (also known as c.973G>A), located in coding exon 11 of the EYA4 gene, results from a G to A substitution at nucleotide position 973. The glutamic acid at codon 325 is replaced by lysine, an amino acid with similar properties. This amino acid position is not well conserved in available vertebrate species. In addition, the in silico prediction for this alteration is inconclusive. Since supporting evidence is limited at this time, the clinical significance of this alteration remains unclear.